The following is an entry in ClinVar:

ClinVar aggregate classification (germline): Uncertain significance (1 of 4 stars; one submission).

Conditions:
Ataxia-telangiectasia syndrome (AT). Also called: Ataxia-telangiectasia, complementation group D; AT, COMPLEMENTATION GROUP C; ATAXIA-TELANGIECTASIA, COMPLEMENTATION GROUP A; ATAXIA-TELANGIECTASIA, FRESNO VARIANT; Ataxia-telangiectasia; Ataxia telangiectasia (A-T). Identifiers: Orphanet 100, MedGen C0004135, MONDO:0008840, OMIM 208900.

Allele frequency attached by ClinVar (database versions not stated): gnomAD exomes below 0.00001.
gnomAD v4.1: 1 of 1,586,006 alleles (0.000063%); highest among the groups gnomAD compares: Non-Finnish European, 0.000087%; no homozygotes.

Submission:

Labcorp Genetics (formerly Invitae), Labcorp
Classification: Uncertain significance for Ataxia-telangiectasia syndrome. Last evaluated: 2023-09-09. Review status: criteria provided, single submitter. Criteria: Invitae Variant Classification Sherloc (09022015). Collection method: clinical testing. Allele origin: germline.
Comment: In summary, the available evidence is currently insufficient to determine the role of this variant in disease. Therefore, it has been classified as a Variant of Uncertain Significance. An algorithm developed to predict the effect of missense changes on protein structure and function (PolyPhen-2) suggests that this variant is likely to be disruptive. ClinVar contains an entry for this variant (Variation ID: 942339). This variant has not been reported in the literature in individuals affected with ATM-related conditions. This variant is not present in population databases (gnomAD no frequency). This sequence change replaces leucine, which is neutral and non-polar, with isoleucine, which is neutral and non-polar, at codon 2890 of the ATM protein (p.Leu2890Ile).

NM_000051.4(ATM):c.8668C>A (p.Leu2890Ile)

Genes: ATM (ATM serine/threonine kinase; plus strand), C11orf65 (chromosome 11 open reading frame 65; minus strand). Cytogenetic location: 11q22.3.
Variant type: single nucleotide variant.
Coding change: c.8668C>A on transcript NM_000051.4 (MANE Select); coding-DNA position 8668, C replaced by A.
Protein change: p.Leu2890Ile; replaces leucine 2890 with isoleucine.
Molecular consequence: missense variant. On other transcripts: intron variant (2).
Genome position (GRCh38, 1-based): chr11:108,347,362, C>A. VCF-style: chr11-108347362-C-A. GRCh37 (hg19) VCF-style: chr11-108218089-C-A.
Other names: c.8668C>A, p.Leu2890Ile (NM_001351834.2); c.641-38291G>T (NM_001330368.2); c.695-12070G>T (NM_001351110.2); short protein forms L2890I.
Identifiers: ClinVar variation 942339 (VCV000942339.10), dbSNP rs587779874, ClinGen allele CA382521324.